The following is an entry in ClinVar:

ClinVar aggregate classification (germline): Uncertain significance. Review status: criteria provided, multiple submitters, no conflicts (2 of 4 stars). 2 submissions from 2 submitters: Uncertain significance (2). Last evaluated 2025-06-13.

Submissions (2):

Quest Diagnostics Nichols Institute San Juan Capistrano
Classification: Uncertain significance. Last evaluated: 2025-06-13. Review status: criteria provided, single submitter. Criteria: Quest Diagnostics criteria. Collection method: clinical testing. Allele origin: unknown.
Comment: The RECQL c.1876_1877delinsGC (p.Lys626Ala) variant has not been reported in individuals with RECQL-related conditions in the published literature. The frequency of this variant in the general population (Genome Aggregation Database) is uninformative in the assessment of its pathogenicity. Analysis of this variant using bioinformatics tools for the prediction of the effect of amino acid changes on protein structure and function yielded predictions that this variant is benign. Based on the available information, we are unable to determine the clinical significance of this variant.

Labcorp Genetics (formerly Invitae), Labcorp
Classification: Uncertain significance. Last evaluated: 2025-01-07. Review status: criteria provided, single submitter. Criteria: Invitae Variant Classification Sherloc (09022015). Collection method: clinical testing. Allele origin: germline.
Comment: This sequence change replaces lysine, which is basic and polar, with alanine, which is neutral and non-polar, at codon 626 of the RECQL protein (p.Lys626Ala). The frequency data for this variant in the population databases is considered unreliable, as metrics indicate poor data quality at this position in the gnomAD database. This variant has not been reported in the literature in individuals affected with RECQL-related conditions. ClinVar contains an entry for this variant (Variation ID: 845290). An algorithm developed to predict the effect of missense changes on protein structure and function (PolyPhen-2) suggests that this variant is likely to be tolerated. In summary, the available evidence is currently insufficient to determine the role of this variant in disease. Therefore, it has been classified as a Variant of Uncertain Significance.

NM_002907.4(RECQL):c.1876_1877delinsGC (p.Lys626Ala)

Genes: PYROXD1 (pyridine nucleotide-disulphide oxidoreductase domain 1; plus strand), RECQL (RecQ like helicase; minus strand). Cytogenetic location: 12p12.1.
Variant type: Indel.
Coding change: c.1876_1877delinsGC on transcript NM_002907.4 (MANE Select); coding-DNA positions 1876 to 1877, AA replaced by GC.
Protein change: p.Lys626Ala; replaces lysine 626 with alanine.
Molecular consequence: missense variant. On other transcripts: 3 prime UTR variant (3).
Genome position (GRCh38, 1-based): chr12:21,470,267-21,470,268, TT replaced by GC on the plus strand (AA replaced by GC on the coding strand, the reverse complement: RECQL is on the minus strand). VCF-style: chr12-21470267-TT-GC. GRCh37 (hg19) VCF-style: chr12-21623201-TT-GC.
Other names: c.1876_1877delinsGC, p.Lys626Ala (NM_032941.3); c.*1513_*1514delinsGC (NM_001350912.2, NM_001350913.2, NM_024854.5); short protein forms K626A.
Identifiers: ClinVar variation 845290 (VCV000845290.12), dbSNP rs1942904755, ClinGen allele CA916083293.